The following is an entry in ClinVar:

NM_003730.6(RNASET2):c.765G>A (p.Lys255=)

Gene: RNASET2 (ribonuclease T2; minus strand). Cytogenetic location: 6q27.
Variant type: single nucleotide variant.
Coding change: c.765G>A on transcript NM_003730.6 (MANE Select); coding-DNA position 765, G replaced by A.
Protein change: p.Lys255=; no amino-acid change (lysine 255 retained).
Molecular consequence: synonymous variant.
Genome position (GRCh38, 1-based): chr6:166,929,594, C>T on the plus strand (G>A on the coding strand, the complement: RNASET2 is on the minus strand). VCF-style: chr6-166929594-C-T. GRCh37 (hg19) VCF-style: chr6-167343082-C-T.
Identifiers: ClinVar variation 757404 (VCV000757404.42), dbSNP rs139552047, ClinGen allele CA4094797.

ClinVar aggregate classification (germline): Likely benign. Review status: criteria provided, multiple submitters, no conflicts (2 of 4 stars). 4 submissions from 4 submitters: Likely benign (3). 1 of the submissions does not count toward it. Last evaluated 2024-10-11.

Conditions:
RNASET2-related disorder. Also called: RNASET2-related condition.

Allele frequency attached by ClinVar (database versions not stated): ESP Exome Variant Server 0.00008; ExAC 0.00011; gnomAD 0.00011 and 0.00014; gnomAD exomes 0.00012; TOPMed 0.00012; 1000 Genomes Project 30x 0.00016; 1000 Genomes Project 0.00020.
gnomAD v4.1: 82 of 1,614,116 alleles (0.0051%); highest among the groups gnomAD compares: African/African-American, 0.035%; no homozygotes.

Submissions (4):

Labcorp Genetics (formerly Invitae), Labcorp
Classification: Likely benign. Last evaluated: 2024-10-11. Review status: criteria provided, single submitter. Criteria: Invitae Variant Classification Sherloc (09022015). Collection method: clinical testing. Allele origin: germline.

Blueprint Genetics
Classification: Likely benign. Last evaluated: 2024-09-15. Review status: criteria provided, single submitter. Criteria: ACMG Guidelines, 2015. Collection method: clinical testing. Allele origin: germline.

CeGaT Center for Human Genetics Tuebingen
Classification: Likely benign. Last evaluated: 2022-01-01. Review status: criteria provided, single submitter. Criteria: CeGaT Center For Human Genetics Tuebingen Variant Classification Criteria Version 2. Collection method: clinical testing. Allele origin: germline. Affected: yes. Observed: 1 variant allele.

PreventionGenetics, part of Exact Sciences
Classification: Likely benign for RNASET2-related condition. Last evaluated: 2019-07-10. Review status: no assertion criteria provided. Collection method: clinical testing. Allele origin: germline. Not counted in ClinVar's aggregate classification.
Comment: This variant is classified as likely benign based on ACMG/AMP sequence variant interpretation guidelines (Richards et al. 2015 PMID: 25741868, with internal and published modifications).